The following is an entry in ClinVar:

NM_000051.4(ATM):c.1617A>G (p.Val539=)

Gene: ATM (ATM serine/threonine kinase; plus strand). Cytogenetic location: 11q22.3.
Variant type: single nucleotide variant.
Coding change: c.1617A>G on transcript NM_000051.4 (MANE Select); coding-DNA position 1617, A replaced by G.
Protein change: p.Val539=; no amino-acid change (valine 539 retained).
Molecular consequence: synonymous variant.
Genome position (GRCh38, 1-based): chr11:108,251,846, A>G. VCF-style: chr11-108251846-A-G. GRCh37 (hg19) VCF-style: chr11-108122573-A-G.
Other names: c.1617A>G, p.Val539= (NM_001351834.2).
Identifiers: ClinVar variation 414591 (VCV000414591.16), dbSNP rs1060504300, ClinGen allele CA16613328.
Genomic context (GRCh38, chr11:108,251,846, plus strand): 5'-TTTGCCCCTCCAATAGCTTGCTTTTCACAATTGTCCTTTGTTTTGTTATAGTCCTGCAGT[A>G]TGCTGTTTGACTTTGGCACTGACCACCAGTATAGTTCCAGGAACGGTAAAAATGGGAATA-3'
Protein context (NP_000042.3, residues 529-549): GSACRPSCPA[Val539=]CCLTLALTTS

ClinVar aggregate classification (germline): Benign/Likely benign. Review status: criteria provided, multiple submitters, no conflicts (2 of 4 stars). 5 submissions from 5 submitters: Benign (1); Likely benign (4). Last evaluated 2025-07-09.

Conditions:
Hereditary cancer-predisposing syndrome. Also called: Tumor predisposition; Neoplastic Syndromes, Hereditary; Hereditary Cancer Syndrome; Hereditary neoplastic syndrome. Identifiers: Orphanet 140162, MedGen C0027672, MeSH D009386, MONDO:0015356.
Familial cancer of breast. Also called: Hereditary breast cancer; BREAST CANCER, FAMILIAL; hereditary breast carcinoma. Identifiers: Orphanet 227535, MedGen C0346153, MONDO:0016419, OMIM 114480. Disease mechanism: loss of function.
Ataxia-telangiectasia syndrome (AT). Also called: Ataxia-telangiectasia; Cerebello-oculocutaneous telangiectasia; Immunodeficiency with ataxia telangiectasia; ATAXIA-TELANGIECTASIA, COMPLEMENTATION GROUP A; ATAXIA-TELANGIECTASIA, FRESNO VARIANT; Ataxia-telangiectasia, complementation group D. Identifiers: Orphanet 100, MedGen C0004135, MONDO:0008840, OMIM 208900.

Allele frequency attached by ClinVar (database versions not stated): gnomAD exomes below 0.00001; TOPMed below 0.00001.

Submissions (5):

Labcorp Genetics (formerly Invitae), Labcorp
Classification: Likely benign for Ataxia-telangiectasia syndrome. Last evaluated: 2025-07-09. Review status: criteria provided, single submitter. Criteria: Invitae Variant Classification Sherloc (09022015). Collection method: clinical testing. Allele origin: germline.

Myriad Genetics, Inc.
Classification: Benign for Familial cancer of breast. Last evaluated: 2024-04-30. Review status: criteria provided, single submitter. Criteria: Myriad Autosomal Dominant, Autosomal Recessive and X-Linked Classification Criteria (2023). Collection method: clinical testing. Allele origin: unknown.
Comment: This variant is considered benign. This variant is a silent/synonymous amino acid change and it is not expected to impact splicing.

Color Diagnostics, LLC DBA Color Health
Classification: Likely benign for Hereditary cancer-predisposing syndrome. Last evaluated: 2019-08-13. Review status: criteria provided, single submitter. Criteria: ACMG Guidelines, 2015. Collection method: clinical testing. Allele origin: germline.

GeneDx
Classification: Likely benign. Last evaluated: 2019-01-10. Review status: criteria provided, single submitter. Criteria: GeneDx Variant Classification Process June 2021. Collection method: clinical testing. Allele origin: germline. Affected: yes.

Ambry Genetics
Classification: Likely benign for Hereditary cancer-predisposing syndrome. Last evaluated: 2017-09-21. Review status: criteria provided, single submitter. Criteria: Ambry Variant Classification Scheme 2023. Collection method: clinical testing. Allele origin: germline.